The following is an entry in ClinVar:

NM_145045.5(ODAD3):c.726C>G (p.Leu242=)

Gene: ODAD3 (outer dynein arm docking complex subunit 3; minus strand). Cytogenetic location: 19p13.2.
Variant type: single nucleotide variant.
Coding change: c.726C>G on transcript NM_145045.5 (MANE Select); coding-DNA position 726, C replaced by G.
Protein change: p.Leu242=; no amino-acid change (leucine 242 retained).
Molecular consequence: synonymous variant.
Genome position (GRCh38, 1-based): chr19:11,426,560, G>C on the plus strand (C>G on the coding strand, the complement: ODAD3 is on the minus strand). VCF-style: chr19-11426560-G-C. GRCh37 (hg19) VCF-style: chr19-11537380-G-C.
Other names: c.564C>G, p.Leu188= (NM_001302453.1); c.546C>G, p.Leu182= (NM_001302454.2).
Identifiers: ClinVar variation 744550 (VCV000744550.10), dbSNP rs1015354057, ClinGen allele CA305334918.

ClinVar aggregate classification (germline): Likely benign. Review status: criteria provided, multiple submitters, no conflicts (2 of 4 stars). 4 submissions from 4 submitters: Likely benign (3). 1 of the submissions does not count toward it. Last evaluated 2025-11-12.

Conditions:
ODAD3-related disorder. Also called: ODAD3-related condition.
Primary ciliary dyskinesia 30. Also called: CILIARY DYSKINESIA, PRIMARY, 30, WITH OR WITHOUT SITUS INVERSUS. Identifiers: Orphanet 244, MedGen C4015016, MONDO:0014465, OMIM 616037.

Allele frequency attached by ClinVar (database versions not stated): gnomAD exomes below 0.00001.
gnomAD v4.1: 5 of 1,614,046 alleles (0.00031%); highest among the groups gnomAD compares: Middle Eastern, 0.066%; no homozygotes.

Submissions (4):

Labcorp Genetics (formerly Invitae), Labcorp
Classification: Likely benign for Primary ciliary dyskinesia 30. Last evaluated: 2025-11-12. Review status: criteria provided, single submitter. Criteria: Invitae Variant Classification Sherloc (09022015). Collection method: clinical testing. Allele origin: germline.

Blueprint Genetics
Classification: Likely benign. Last evaluated: 2021-03-12. Review status: criteria provided, single submitter. Criteria: ACMG Guidelines, 2015. Collection method: clinical testing. Allele origin: germline.

Breakthrough Genomics
Classification: Likely benign. Review status: criteria provided, single submitter. Criteria: ACMG Guidelines, 2015. Collection method: not provided. Allele origin: germline. Inheritance: Autosomal recessive inheritance. Affected: yes.

PreventionGenetics, part of Exact Sciences
Classification: Likely benign for ODAD3-related condition. Last evaluated: 2019-05-14. Review status: no assertion criteria provided. Collection method: clinical testing. Allele origin: germline. Not counted in ClinVar's aggregate classification.
Comment: This variant is classified as likely benign based on ACMG/AMP sequence variant interpretation guidelines (Richards et al. 2015 PMID: 25741868, with internal and published modifications).